The following is an entry in ClinVar:

ClinVar aggregate classification (germline): Likely benign. Review status: criteria provided, single submitter (1 of 4 stars). 2 submissions from 2 submitters: Likely benign (1). 1 of the submissions does not count toward it. Last evaluated 2025-05-31.

Conditions:
PLXNA2-related disorder. Also called: PLXNA2-related condition.

Allele frequency attached by ClinVar (database versions not stated): ExAC 0.00003; gnomAD exomes 0.00004; gnomAD 0.00010 and 0.00011; TOPMed 0.00021; ESP Exome Variant Server 0.00023.
gnomAD v4.1: 44 of 1,612,536 alleles (0.0027%); highest among the groups gnomAD compares: African/African-American, 0.051%; no homozygotes.

Submissions (2):

Labcorp Genetics (formerly Invitae), Labcorp
Classification: Likely benign. Last evaluated: 2025-05-31. Review status: criteria provided, single submitter. Criteria: Invitae Variant Classification Sherloc (09022015). Collection method: clinical testing. Allele origin: germline.

PreventionGenetics, part of Exact Sciences
Classification: Likely benign for PLXNA2-related condition. Last evaluated: 2021-08-10. Review status: no assertion criteria provided. Collection method: clinical testing. Allele origin: germline. Not counted in ClinVar's aggregate classification.
Comment: This variant is classified as likely benign based on ACMG/AMP sequence variant interpretation guidelines (Richards et al. 2015 PMID: 25741868, with internal and published modifications).

NM_025179.4(PLXNA2):c.882G>C (p.Val294=)

Gene: PLXNA2 (plexin A2; minus strand). Cytogenetic location: 1q32.2.
Variant type: single nucleotide variant.
Coding change: c.882G>C on transcript NM_025179.4 (MANE Select); coding-DNA position 882, G replaced by C.
Protein change: p.Val294=; no amino-acid change (valine 294 retained).
Molecular consequence: synonymous variant.
Genome position (GRCh38, 1-based): chr1:208,217,041, C>G on the plus strand (G>C on the coding strand, the complement: PLXNA2 is on the minus strand). VCF-style: chr1-208217041-C-G. GRCh37 (hg19) VCF-style: chr1-208390386-C-G.
Identifiers: ClinVar variation 755044 (VCV000755044.7), dbSNP rs139833440, ClinGen allele CA1374012.
Genomic context (GRCh38, chr1:208,217,041, plus strand): 5'-GTAAGCAGCCTGCAGGAGGCGGTATTCCACCCCGGCCCGGGTGCAGCCGAAGGGCAGGGA[C>G]ACGTATGAGTGGAACTTGGGGTCATCCTTGCAGAGCCGCACGATGCGTGAGGTGTAGAAG-3'
Protein context (NP_079455.3, residues 284-304): CKDDPKFHSY[Val294=]SLPFGCTRAG